The following is an entry in ClinVar:

NM_006206.6(PDGFRA):c.959C>A (p.Thr320Asn)

Gene: PDGFRA (platelet derived growth factor receptor alpha; plus strand). Cytogenetic location: 4q12.
Variant type: single nucleotide variant.
Coding change: c.959C>A on transcript NM_006206.6 (MANE Select); coding-DNA position 959, C replaced by A.
Protein change: p.Thr320Asn; replaces threonine 320 with asparagine.
Molecular consequence: missense variant.
Genome position (GRCh38, 1-based): chr4:54,267,579, C>A. VCF-style: chr4-54267579-C-A. GRCh37 (hg19) VCF-style: chr4-55133746-C-A.
Other names: c.959C>A, p.Thr320Asn (NM_001347827.2, NM_001347829.2); c.1034C>A, p.Thr345Asn (NM_001347828.2); c.998C>A, p.Thr333Asn (NM_001347830.2); short protein forms T320N, T333N, T345N.
Identifiers: ClinVar variation 2173706 (VCV002173706.4), dbSNP rs779626645, ClinGen allele CA356891494.

ClinVar aggregate classification (germline): Uncertain significance (1 of 4 stars; one submission).

Conditions:
Gastrointestinal stromal tumor. Also called: Gastrointestinal stroma tumor; Gastrointestinal stromal tumor, somatic. Identifiers: Orphanet 44890, MedGen C0238198, MeSH D046152, MONDO:0011719, OMIM 606764, HP:0100723.

Submission:

Labcorp Genetics (formerly Invitae), Labcorp
Classification: Uncertain significance for Gastrointestinal stromal tumor. Last evaluated: 2024-05-06. Review status: criteria provided, single submitter. Criteria: Invitae Variant Classification Sherloc (09022015). Collection method: clinical testing. Allele origin: germline.
Comment: This sequence change replaces threonine, which is neutral and polar, with asparagine, which is neutral and polar, at codon 320 of the PDGFRA protein (p.Thr320Asn). This variant is not present in population databases (gnomAD no frequency). This variant has not been reported in the literature in individuals affected with PDGFRA-related conditions. ClinVar contains an entry for this variant (Variation ID: 2173706). Advanced modeling of protein sequence and biophysical properties (such as structural, functional, and spatial information, amino acid conservation, physicochemical variation, residue mobility, and thermodynamic stability) performed at Invitae indicates that this missense variant is not expected to disrupt PDGFRA protein function with a negative predictive value of 80%. In summary, the available evidence is currently insufficient to determine the role of this variant in disease. Therefore, it has been classified as a Variant of Uncertain Significance.